The following is an entry in ClinVar:

NM_053025.4(MYLK):c.823G>A (p.Val275Met)

Gene: MYLK (myosin light chain kinase; minus strand). Cytogenetic location: 3q21.1.
Variant type: single nucleotide variant.
Coding change: c.823G>A on transcript NM_053025.4 (MANE Select); coding-DNA position 823, G replaced by A.
Protein change: p.Val275Met; replaces valine 275 with methionine.
Molecular consequence: missense variant.
Genome position (GRCh38, 1-based): chr3:123,734,173, C>T on the plus strand (G>A on the coding strand, the complement: MYLK is on the minus strand). VCF-style: chr3-123734173-C-T. GRCh37 (hg19) VCF-style: chr3-123453020-C-T.
Other names: c.823G>A (NM_053025.3); c.295G>A, p.Val99Met (NM_001321309.2); c.823G>A, p.Val275Met (NM_053026.4, NM_053027.4, NM_053028.4); short protein forms V275M, V99M.
Identifiers: ClinVar variation 2975309 (VCV002975309.4), dbSNP rs769572072, ClinGen allele CA073679.
Genomic context (GRCh38, chr3:123,734,173, plus strand): 5'-TGCTTTTGGCTGCAGCCTCCAGACTGTCCAGCTTCGACTCCTTTGAGATTACATTGGTCA[C>T]CTCTTTCCTGACATCTGAATTGGTGGCTTTTGTTTCTCTCACAAATGACCTGTGTGGTGG-3'
Protein context (NP_444253.3, residues 265-285): KATNSDVRKE[Val275Met]TNVISKESKL

ClinVar aggregate classification (germline): Uncertain significance. Review status: criteria provided, multiple submitters, no conflicts (2 of 4 stars). 2 submissions from 2 submitters: Uncertain significance (2). Last evaluated 2024-04-05.

Conditions:
Aortic aneurysm, familial thoracic 7 (AAT7). Also called: AORTIC DISSECTION, FAMILIAL, WITH OR WITHOUT AORTIC ANEURYSM. Identifiers: MedGen C3151077, MONDO:0013418, OMIM 613780.
Familial thoracic aortic aneurysm and aortic dissection (TAAD). Also called: Thoracic aortic aneurysms and dissections. Identifiers: Orphanet 91387, MedGen C4707243, MONDO:0019625.

Allele frequency attached by ClinVar (database versions not stated): gnomAD exomes below 0.00001; TOPMed below 0.00001; ExAC 0.00001.
gnomAD v4.1: 1 of 1,556,572 alleles (0.000064%); highest among the groups gnomAD compares: Admixed American, 0.0019%; no homozygotes.

Submissions (2):

Ambry Genetics
Classification: Uncertain significance for Familial thoracic aortic aneurysm and aortic dissection. Last evaluated: 2024-04-05. Review status: criteria provided, single submitter. Criteria: Ambry Variant Classification Scheme 2023. Collection method: clinical testing. Allele origin: germline.
Comment: The p.V275M variant (also known as c.823G>A), located in coding exon 7 of the MYLK gene, results from a G to A substitution at nucleotide position 823. The valine at codon 275 is replaced by methionine, an amino acid with highly similar properties. This amino acid position is conserved. In addition, this alteration is predicted to be tolerated by in silico analysis. Based on the available evidence, the clinical significance of this variant remains unclear.

Labcorp Genetics (formerly Invitae), Labcorp
Classification: Uncertain significance for Aortic aneurysm, familial thoracic 7. Last evaluated: 2023-07-22. Review status: criteria provided, single submitter. Criteria: Invitae Variant Classification Sherloc (09022015). Collection method: clinical testing. Allele origin: germline.
Comment: This variant has not been reported in the literature in individuals affected with MYLK-related conditions. Advanced modeling of protein sequence and biophysical properties (such as structural, functional, and spatial information, amino acid conservation, physicochemical variation, residue mobility, and thermodynamic stability) performed at Invitae indicates that this missense variant is not expected to disrupt MYLK protein function. In summary, the available evidence is currently insufficient to determine the role of this variant in disease. Therefore, it has been classified as a Variant of Uncertain Significance. This sequence change replaces valine, which is neutral and non-polar, with methionine, which is neutral and non-polar, at codon 275 of the MYLK protein (p.Val275Met). This variant is present in population databases (rs769572072, gnomAD 0.007%).